The following is an entry in ClinVar:

NM_000719.7(CACNA1C):c.101C>A (p.Ala34Glu)

Gene: CACNA1C (calcium voltage-gated channel subunit alpha1 C; plus strand). Cytogenetic location: 12p13.33.
Variant type: single nucleotide variant.
Coding change: c.101C>A on transcript NM_000719.7 (MANE Select); coding-DNA position 101, C replaced by A.
Protein change: p.Ala34Glu; replaces alanine 34 with glutamic acid.
Molecular consequence: missense variant.
Genome position (GRCh38, 1-based): chr12:2,115,275, C>A. VCF-style: chr12-2115275-C-A. GRCh37 (hg19) VCF-style: chr12-2224441-C-A.
Other names: c.101C>A, p.Ala34Glu (NM_001129827.2, NM_001129829.2, NM_001129830.3 and 19 more transcripts); short protein forms A34E.
Identifiers: ClinVar variation 1002403 (VCV001002403.9), dbSNP rs551396698, ClinGen allele CA383652939.
Genomic context (GRCh38, chr12:2,115,275, plus strand): 5'-TTGCCACAGGTTCCAACTATGGGAGCCCACGCCCCGCCCATGCCAACATGAATGCCAATG[C>A]GGCAGCGGGGCTGGCCCCTGAGCACATCCCCACCCCGGGGGCTGCCCTGTCGTGGCAGGC-3'
Protein context (NP_000710.5, residues 24-44): RPAHANMNAN[Ala34Glu]AAGLAPEHIP

ClinVar aggregate classification (germline): Uncertain significance (1 of 4 stars; one submission).

Conditions:
Long QT syndrome (LQTS). Identifiers: MedGen C0023976, MeSH D008133, MONDO:0002442. Disease mechanism: loss of function. Inheritance: Various modes of inheritance.

Allele frequency attached by ClinVar (database versions not stated): TOPMed 0.00001.
gnomAD v4.1: 1 of 1,590,512 alleles (0.000063%); highest among the groups gnomAD compares: African/African-American, 0.0013%; no homozygotes.

Submission:

Labcorp Genetics (formerly Invitae), Labcorp
Classification: Uncertain significance for Long QT syndrome. Last evaluated: 2020-09-17. Review status: criteria provided, single submitter. Criteria: Invitae Variant Classification Sherloc (09022015). Collection method: clinical testing. Allele origin: germline.
Comment: Algorithms developed to predict the effect of missense changes on protein structure and function (SIFT, PolyPhen-2, Align-GVGD) all suggest that this variant is likely to be tolerated, but these predictions have not been confirmed by published functional studies and their clinical significance is uncertain. In summary, the available evidence is currently insufficient to determine the role of this variant in disease. Therefore, it has been classified as a Variant of Uncertain Significance. This variant has not been reported in the literature in individuals with CACNA1C-related conditions. This variant is not present in population databases (ExAC no frequency). This sequence change replaces alanine with glutamic acid at codon 34 of the CACNA1C protein (p.Ala34Glu). The alanine residue is weakly conserved and there is a moderate physicochemical difference between alanine and glutamic acid.